The following is an entry in ClinVar:

NM_030665.4(RAI1):c.1477G>A (p.Ala493Thr)

Gene: RAI1 (retinoic acid induced 1; plus strand). Cytogenetic location: 17p11.2.
Variant type: single nucleotide variant.
Coding change: c.1477G>A on transcript NM_030665.4 (MANE Select); coding-DNA position 1477, G replaced by A.
Protein change: p.Ala493Thr; replaces alanine 493 with threonine.
Molecular consequence: missense variant.
Genome position (GRCh38, 1-based): chr17:17,794,425, G>A. VCF-style: chr17-17794425-G-A. GRCh37 (hg19) VCF-style: chr17-17697739-G-A.
Other names: short protein forms A493T.
Identifiers: ClinVar variation 2647521 (VCV002647521.27), dbSNP rs771338032, ClinGen allele CA8418340.

ClinVar aggregate classification (germline): Uncertain significance. Review status: criteria provided, multiple submitters, no conflicts (2 of 4 stars). 2 submissions from 2 submitters: Uncertain significance (2). Last evaluated 2025-12-05.

Allele frequency attached by ClinVar (database versions not stated): ExAC 0.00001.
gnomAD v4.1: 13 of 1,612,948 alleles (0.00081%); highest among the groups gnomAD compares: South Asian, 0.0044%; no homozygotes.

Submissions (2):

Labcorp Genetics (formerly Invitae), Labcorp
Classification: Uncertain significance. Last evaluated: 2025-12-05. Review status: criteria provided, single submitter. Criteria: Invitae Variant Classification Sherloc (09022015). Collection method: clinical testing. Allele origin: germline.
Comment: This sequence change replaces alanine, which is neutral and non-polar, with threonine, which is neutral and polar, at codon 493 of the RAI1 protein (p.Ala493Thr). This variant is present in population databases (rs771338032, gnomAD 0.007%). This variant has not been reported in the literature in individuals affected with RAI1-related conditions. ClinVar contains an entry for this variant (Variation ID: 2647521). Invitae Evidence Modeling of protein sequence and biophysical properties (such as structural, functional, and spatial information, amino acid conservation, physicochemical variation, residue mobility, and thermodynamic stability) indicates that this missense variant is not expected to disrupt RAI1 protein function with a negative predictive value of 80%. In summary, the available evidence is currently insufficient to determine the role of this variant in disease. Therefore, it has been classified as a Variant of Uncertain Significance.

CeGaT Center for Human Genetics Tuebingen
Classification: Uncertain significance. Last evaluated: 2022-05-01. Review status: criteria provided, single submitter. Criteria: CeGaT Center For Human Genetics Tuebingen Variant Classification Criteria Version 2. Collection method: clinical testing. Allele origin: germline. Affected: yes. Observed: 1 variant allele.
Comment: RAI1: PM2, BP4